The following is an entry in ClinVar:

ClinVar aggregate classification (germline): Uncertain significance. Review status: criteria provided, multiple submitters, no conflicts (2 of 4 stars). 2 submissions from 2 submitters: Uncertain significance (2). Last evaluated 2023-10-27.

Submissions (2):

Blueprint Genetics
Classification: Uncertain significance. Last evaluated: 2023-10-27. Review status: criteria provided, single submitter. Criteria: ACMG Guidelines, 2015. Collection method: clinical testing. Allele origin: germline.

Labcorp Genetics (formerly Invitae), Labcorp
Classification: Uncertain significance. Last evaluated: 2022-10-17. Review status: criteria provided, single submitter. Criteria: Invitae Variant Classification Sherloc (09022015). Collection method: clinical testing. Allele origin: germline.
Comment: In summary, the available evidence is currently insufficient to determine the role of this variant in disease. Therefore, it has been classified as a Variant of Uncertain Significance. Advanced modeling of protein sequence and biophysical properties (such as structural, functional, and spatial information, amino acid conservation, physicochemical variation, residue mobility, and thermodynamic stability) performed at Invitae indicates that this missense variant is not expected to disrupt DHX38 protein function. This variant has not been reported in the literature in individuals affected with DHX38-related conditions. This variant is not present in population databases (gnomAD no frequency). This sequence change replaces aspartic acid, which is acidic and polar, with asparagine, which is neutral and polar, at codon 346 of the DHX38 protein (p.Asp346Asn).

NM_014003.4(DHX38):c.1036G>A (p.Asp346Asn)

Gene: DHX38 (DEAH-box helicase 38; plus strand). Cytogenetic location: 16q22.2.
Variant type: single nucleotide variant.
Coding change: c.1036G>A on transcript NM_014003.4 (MANE Select); coding-DNA position 1036, G replaced by A.
Protein change: p.Asp346Asn; replaces aspartic acid 346 with asparagine.
Molecular consequence: missense variant.
Genome position (GRCh38, 1-based): chr16:72,099,807, G>A. VCF-style: chr16-72099807-G-A. GRCh37 (hg19) VCF-style: chr16-72133706-G-A.
Other names: short protein forms D346N.
Identifiers: ClinVar variation 2090895 (VCV002090895.5), dbSNP rs2507091382, ClinGen allele CA396704361.
Genomic context (GRCh38, chr16:72,099,807, plus strand): 5'-TGGTACATGATGGACGAGGGCTATGACGAGTTCCACAACCCGCTGGCCTACTCCTCCGAG[G>A]ACTACGTGAGGAGGCGGGAGCAGCACCTGCATAAACAGAAGCAGAAGCGCATTTCAGCTC-3'
Protein context (NP_054722.2, residues 336-356): FHNPLAYSSE[Asp346Asn]YVRRREQHLH